The following is an entry in ClinVar:

ClinVar aggregate classification (germline): Pathogenic (1 of 4 stars; one submission).

Allele frequency attached by ClinVar (database versions not stated): gnomAD exomes 0.00001.

Submission:

Labcorp Genetics (formerly Invitae), Labcorp
Classification: Pathogenic. Last evaluated: 2024-01-29. Review status: criteria provided, single submitter. Criteria: Invitae Variant Classification Sherloc (09022015). Collection method: clinical testing. Allele origin: germline.
Comment: This sequence change creates a premature translational stop signal (p.Glu24*) in the AAAS gene. It is expected to result in an absent or disrupted protein product. Loss-of-function variants in AAAS are known to be pathogenic (PMID: 11159947). This variant is not present in population databases (gnomAD no frequency). This variant has not been reported in the literature in individuals affected with AAAS-related conditions. Algorithms developed to predict the effect of sequence changes on RNA splicing suggest that this variant may disrupt the consensus splice site. For these reasons, this variant has been classified as Pathogenic.

Literature cited by the submitters: PubMed 11159947.

NM_015665.6(AAAS):c.70G>T (p.Glu24Ter)

Gene: AAAS (aladin WD repeat nucleoporin; minus strand). Cytogenetic location: 12q13.13.
Variant type: single nucleotide variant.
Coding change: c.70G>T on transcript NM_015665.6 (MANE Select); coding-DNA position 70, G replaced by T.
Protein change: p.Glu24Ter; replaces glutamic acid 24 with a stop codon.
Molecular consequence: nonsense.
Genome position (GRCh38, 1-based): chr12:53,321,396, C>A on the plus strand (G>T on the coding strand, the complement: AAAS is on the minus strand). VCF-style: chr12-53321396-C-A. GRCh37 (hg19) VCF-style: chr12-53715180-C-A.
Other names: c.70G>T, p.Glu24Ter (NM_001173466.2); short protein forms E24*.
Identifiers: ClinVar variation 2696004 (VCV002696004.3), dbSNP rs2498644465, ClinGen allele CA385047356.
Genomic context (GRCh38, chr12:53,321,396, plus strand): 5'-TGGCCACCTGGCCCCGGAAGTCGGGGGGCGGGCTCTCATAGCTACTGCCCGTCACCAGCT[C>A]GTTATTGTGCTCATATAGGGTGACTTGACCCCGAGGCGGTGGAGGAGGGAACAACCCCAG-3'